The following is an entry in ClinVar:

ClinVar aggregate classification (germline): Uncertain significance (1 of 4 stars; one submission).

Conditions:
Microcephaly, normal intelligence and immunodeficiency (NBS). Also called: BERLIN BREAKAGE SYNDROME; SEEMANOVA SYNDROME II; Immunodeficiency, microcephaly with normal intelligence; Ataxia telangiectasia variant V1; Nijmegen breakage syndrome; IMMUNODEFICIENCY, MICROCEPHALY, AND CHROMOSOMAL INSTABILITY. Identifiers: Orphanet 647, MedGen C0398791, MONDO:0009623, OMIM 251260.

Submission:

Labcorp Genetics (formerly Invitae), Labcorp
Classification: Uncertain significance for Microcephaly, normal intelligence and immunodeficiency. Last evaluated: 2021-11-15. Review status: criteria provided, single submitter. Criteria: Invitae Variant Classification Sherloc (09022015). Collection method: clinical testing. Allele origin: germline.
Comment: Algorithms developed to predict the effect of missense changes on protein structure and function are either unavailable or do not agree on the potential impact of this missense change (SIFT: "Tolerated"; PolyPhen-2: "Possibly Damaging"; Align-GVGD: "Class C15"). This variant has not been reported in the literature in individuals affected with NBN-related conditions. This variant is not present in population databases (gnomAD no frequency). This sequence change replaces aspartic acid, which is acidic and polar, with glycine, which is neutral and non-polar, at codon 366 of the NBN protein (p.Asp366Gly). In summary, the available evidence is currently insufficient to determine the role of this variant in disease. Therefore, it has been classified as a Variant of Uncertain Significance.

NM_002485.5(NBN):c.1097A>G (p.Asp366Gly)

Gene: NBN (nibrin; minus strand). Cytogenetic location: 8q21.3.
Variant type: single nucleotide variant.
Coding change: c.1097A>G on transcript NM_002485.5 (MANE Select); coding-DNA position 1097, A replaced by G.
Protein change: p.Asp366Gly; replaces aspartic acid 366 with glycine.
Molecular consequence: missense variant.
Genome position (GRCh38, 1-based): chr8:89,958,752, T>C on the plus strand (A>G on the coding strand, the complement: NBN is on the minus strand). VCF-style: chr8-89958752-T-C. GRCh37 (hg19) VCF-style: chr8-90970980-T-C.
Other names: c.851A>G, p.Asp284Gly (NM_001024688.3); short protein forms D284G, D366G.
Identifiers: ClinVar variation 1504030 (VCV001504030.6), dbSNP rs2129744939, ClinGen allele CA371656619.